The following is an entry in ClinVar:

ClinVar aggregate classification (germline): Uncertain significance (1 of 4 stars; one submission).

Conditions:
Kleefstra syndrome 1 (KLEFS1). Identifiers: Orphanet 261494, MedGen C0795833, MONDO:0027407, OMIM 610253.

gnomAD v4.1: 1 of 1,612,636 alleles (0.000062%); highest among the groups gnomAD compares: Non-Finnish European, 0.000085%; no homozygotes.

Submission:

Labcorp Genetics (formerly Invitae), Labcorp
Classification: Uncertain significance for Kleefstra syndrome 1. Last evaluated: 2024-08-07. Review status: criteria provided, single submitter. Criteria: Invitae Variant Classification Sherloc (09022015). Collection method: clinical testing. Allele origin: germline.
Comment: This sequence change replaces glutamic acid, which is acidic and polar, with lysine, which is basic and polar, at codon 1019 of the EHMT1 protein (p.Glu1019Lys). This variant is not present in population databases (gnomAD no frequency). This variant has not been reported in the literature in individuals affected with EHMT1-related conditions. Advanced modeling of protein sequence and biophysical properties (such as structural, functional, and spatial information, amino acid conservation, physicochemical variation, residue mobility, and thermodynamic stability) performed at Invitae indicates that this missense variant is expected to disrupt EHMT1 protein function with a positive predictive value of 80%. In summary, the available evidence is currently insufficient to determine the role of this variant in disease. Therefore, it has been classified as a Variant of Uncertain Significance.

NM_024757.5(EHMT1):c.3055G>A (p.Glu1019Lys)

Gene: EHMT1 (euchromatic histone lysine methyltransferase 1; plus strand). Cytogenetic location: 9q34.3.
Variant type: single nucleotide variant.
Coding change: c.3055G>A on transcript NM_024757.5 (MANE Select); coding-DNA position 3055, G replaced by A.
Protein change: p.Glu1019Lys; replaces glutamic acid 1019 with lysine.
Molecular consequence: missense variant.
Genome position (GRCh38, 1-based): chr9:137,813,405, G>A. VCF-style: chr9-137813405-G-A. GRCh37 (hg19) VCF-style: chr9-140707857-G-A.
Other names: c.3034G>A, p.Glu1012Lys (NM_001354263.2); short protein forms E1012K, E1019K.
Identifiers: ClinVar variation 3658477 (VCV003658477.2).
Genomic context (GRCh38, chr9:137,813,405, plus strand): 5'-GCACGTCAGCCACCAGGTGACACCTGTCCTTTCCATGGCAGGGACATCGCTCGAGGCTAC[G>A]AGCGCATCCCCATCCCCTGTGTCAACGCCGTGGACAGCGAGCCATGCCCCAGCAACTACA-3'
Protein context (NP_079033.4, residues 1009-1029): IVSRDIARGY[Glu1019Lys]RIPIPCVNAV